The following is an entry in ClinVar:

ClinVar aggregate classification (germline): Likely benign. Review status: criteria provided, multiple submitters, no conflicts (2 of 4 stars). 3 submissions from 3 submitters: Likely benign (3). Last evaluated 2025-10-25.

Conditions:
Familial thoracic aortic aneurysm and aortic dissection (TAAD). Also called: Thoracic aortic aneurysms and dissections. Identifiers: Orphanet 91387, MedGen C4707243, MONDO:0019625.
Ehlers-Danlos syndrome, classic type, 1 (EDSCL1). Also called: EHLERS-DANLOS SYNDROME, GRAVIS TYPE; EHLERS-DANLOS SYNDROME, SEVERE CLASSIC TYPE; Ehlers-Danlos Syndrome, Classic Type, COL5A1-Related; EDS I; Ehlers-Danlos syndrome, type 1. Identifiers: MedGen C0268335, MONDO:0019567, OMIM 130000.

Allele frequency attached by ClinVar (database versions not stated): TOPMed 0.00002.
gnomAD v4.1: 5 of 1,611,056 alleles (0.00031%); highest among the groups gnomAD compares: African/African-American, 0.0053%; no homozygotes.

Submissions (3):

Ambry Genetics
Classification: Likely benign for Familial thoracic aortic aneurysm and aortic dissection. Last evaluated: 2025-10-25. Review status: criteria provided, single submitter. Criteria: Ambry Variant Classification Scheme 2023. Collection method: clinical testing. Allele origin: germline.

Labcorp Genetics (formerly Invitae), Labcorp
Classification: Likely benign for Ehlers-Danlos syndrome, classic type, 1. Last evaluated: 2024-09-06. Review status: criteria provided, single submitter. Criteria: Invitae Variant Classification Sherloc (09022015). Collection method: clinical testing. Allele origin: germline.

GeneDx
Classification: Likely benign. Last evaluated: 2017-01-09. Review status: criteria provided, single submitter. Criteria: GeneDx Variant Classification (06012015). Collection method: clinical testing. Allele origin: germline. Affected: yes.
Comment: This variant is considered likely benign or benign based on one or more of the following criteria: it is a conservative change, it occurs at a poorly conserved position in the protein, it is predicted to be benign by multiple in silico algorithms, and/or has population frequency not consistent with disease.

NM_000093.5(COL5A1):c.4287G>C (p.Gly1429=)

Gene: COL5A1 (collagen type V alpha 1 chain; plus strand). Cytogenetic location: 9q34.3.
Variant type: single nucleotide variant.
Coding change: c.4287G>C on transcript NM_000093.5 (MANE Select); coding-DNA position 4287, G replaced by C.
Protein change: p.Gly1429=; no amino-acid change (glycine 1429 retained).
Molecular consequence: synonymous variant.
Genome position (GRCh38, 1-based): chr9:134,818,712, G>C. VCF-style: chr9-134818712-G-C. GRCh37 (hg19) VCF-style: chr9-137710558-G-C.
Other names: c.4287G>C, p.Gly1429= (NM_001278074.1).
Identifiers: ClinVar variation 392527 (VCV000392527.10), dbSNP rs936839849, ClinGen allele CA16605579.